The following is an entry in ClinVar:

ClinVar aggregate classification (germline): Conflicting classifications of pathogenicity. Review status: criteria provided, conflicting classifications (1 of 4 stars). 4 submissions from 4 submitters: Likely pathogenic (2); Likely benign (1). 1 of the submissions does not count toward it. Last evaluated 2026-01-07.

Conditions:
Neurooculorenal syndrome (NORS). Identifiers: MedGen C5830377, MONDO:0957210, OMIM 620305.
Nystagmus, congenital, autosomal recessive. Identifiers: MedGen C3151571, MONDO:0009762, OMIM 257400.
Congenital nystagmus. Identifiers: MedGen C0700501, MONDO:0005712, HP:0006934.

Allele frequency attached by ClinVar (database versions not stated): 1000 Genomes Project 30x 0.00047; gnomAD 0.00055 and 0.00060; gnomAD exomes 0.00059 and 0.00088; 1000 Genomes Project 0.00060; ExAC 0.00061; TOPMed 0.00062; ESP Exome Variant Server 0.00096.
gnomAD v4.1: 1,362 of 1,613,834 alleles (0.084%); highest among the groups gnomAD compares: Middle Eastern, 0.13%; 2 homozygotes.

Submissions (4):

Labcorp Genetics (formerly Invitae), Labcorp
Classification: Likely benign. Last evaluated: 2026-01-07. Review status: criteria provided, single submitter. Criteria: Invitae Variant Classification Sherloc (09022015). Collection method: clinical testing. Allele origin: germline.

First Genomix Gene Laboratory, Genetic Diagnostics Department
Classification: Likely pathogenic for Nystagmus, congenital, autosomal recessive; Neurooculorenal syndrome. Last evaluated: 2025-09-03. Review status: criteria provided, single submitter. Criteria: ACMG Guidelines, 2015. Collection method: clinical testing. Allele origin: germline. Inheritance: Autosomal recessive inheritance. Affected: no. Observed: 1 variant allele.

Lupski Lab, Baylor-Hopkins CMG, Baylor College of Medicine
Classification: Likely pathogenic for Congenital nystagmus. Last evaluated: 2022-02-25. Review status: criteria provided, single submitter. Criteria: ACMG Guidelines, 2015. Collection method: research. Allele origin: germline. Affected: yes. Observed: 3 homozygotes.

OMIM
Classification: Pathogenic for NYSTAGMUS 8, CONGENITAL, AUTOSOMAL RECESSIVE (1 family). Last evaluated: 2025-08-12. Review status: no assertion criteria provided. Collection method: literature only. Allele origin: germline. Not counted in ClinVar's aggregate classification.

Literature cited by the submitters: PubMed 35348658 (cited by OMIM).

NM_002941.4(ROBO1):c.4565C>T (p.Ser1522Leu)

Gene: ROBO1 (roundabout guidance receptor 1; minus strand). Cytogenetic location: 3p12.3.
Variant type: single nucleotide variant.
Coding change: c.4565C>T on transcript NM_002941.4 (MANE Select); coding-DNA position 4565, C replaced by T.
Protein change: p.Ser1522Leu; replaces serine 1522 with leucine.
Molecular consequence: missense variant.
Genome position (GRCh38, 1-based): chr3:78,606,912, G>A on the plus strand (C>T on the coding strand, the complement: ROBO1 is on the minus strand). VCF-style: chr3-78606912-G-A. GRCh37 (hg19) VCF-style: chr3-78656062-G-A.
Other names: c.4430C>T, p.Ser1477Leu (NM_001145844.1, NM_133631.4); c.4265C>T, p.Ser1422Leu (NM_001145845.2); short protein forms S1422L, S1477L, S1522L.
Identifiers: ClinVar variation 1342665 (VCV001342665.9), dbSNP rs199958211, ClinGen allele CA2498026.
Genomic context (GRCh38, chr3:78,606,912, plus strand): 5'-TCAACAACCTGTCTTCCATCCAACACTTCTCTCCCCTTGTAACTGCTTCCTTTTCTGTCT[G>A]ATGATCTGTCTGTTCTTGCATCCATAGAAGGGAGTTTTGGCACCACTACAGGTCGTACTT-3'
Protein context (NP_002932.1, residues 1512-1532): PSMDARTDRS[Ser1522Leu]DRKGSSYKGR